The following is an entry in ClinVar:

NM_021098.3(CACNA1H):c.2654C>T (p.Thr885Ile)

Gene: CACNA1H (calcium voltage-gated channel subunit alpha1 H; plus strand). Cytogenetic location: 16p13.3.
Variant type: single nucleotide variant.
Coding change: c.2654C>T on transcript NM_021098.3 (MANE Select); coding-DNA position 2654, C replaced by T.
Protein change: p.Thr885Ile; replaces threonine 885 with isoleucine.
Molecular consequence: missense variant.
Genome position (GRCh38, 1-based): chr16:1,206,154, C>T. VCF-style: chr16-1206154-C-T. GRCh37 (hg19) VCF-style: chr16-1256154-C-T.
Other names: c.2654C>T, p.Thr885Ile (NM_001005407.2); short protein forms T885I.
Identifiers: ClinVar variation 2126005 (VCV002126005.4), dbSNP rs1333588859, ClinGen allele CA394168755.

ClinVar aggregate classification (germline): Uncertain significance (1 of 4 stars; one submission).

Conditions:
Idiopathic generalized epilepsy. Also called: EIG; Generalised epilepsy. Identifiers: MedGen C0270850, MONDO:0005579, OMIM 600669.
Hyperaldosteronism, familial, type IV (HALD4). Also called: FH IV; ALDOSTERONISM, PRIMARY, AND HYPERTENSION. Identifiers: Orphanet 642671, MedGen C4310756, MONDO:0014875, OMIM 617027.

Allele frequency attached by ClinVar (database versions not stated): gnomAD 0.00001; TOPMed 0.00001.

Submission:

Labcorp Genetics (formerly Invitae), Labcorp
Classification: Uncertain significance for Idiopathic generalized epilepsy; Hyperaldosteronism, familial, type IV. Last evaluated: 2022-05-07. Review status: criteria provided, single submitter. Criteria: Invitae Variant Classification Sherloc (09022015). Collection method: clinical testing. Allele origin: germline.
Comment: This sequence change replaces threonine, which is neutral and polar, with isoleucine, which is neutral and non-polar, at codon 885 of the CACNA1H protein (p.Thr885Ile). This variant is not present in population databases (gnomAD no frequency). This variant has not been reported in the literature in individuals affected with CACNA1H-related conditions. Algorithms developed to predict the effect of missense changes on protein structure and function (SIFT, PolyPhen-2, Align-GVGD) all suggest that this variant is likely to be disruptive. In summary, the available evidence is currently insufficient to determine the role of this variant in disease. Therefore, it has been classified as a Variant of Uncertain Significance.